The following is an entry in ClinVar:

ClinVar aggregate classification (germline): Uncertain significance (1 of 4 stars; one submission).

Conditions:
SUZ12-related disorder. Also called: SUZ12-related condition.

Submission:

PreventionGenetics, part of Exact Sciences
Classification: Uncertain significance for SUZ12-related condition. Last evaluated: 2022-11-16. Review status: criteria provided, single submitter. Criteria: ACMG Guidelines, 2015. Collection method: clinical testing. Allele origin: germline.
Comment: The SUZ12 c.1950_1952delGAA variant is predicted to result in an in-frame deletion (p.Lys650del). To our knowledge, this variant has not been reported in the literature or in a large population database, indicating this variant is rare. At this time, the clinical significance of this variant is uncertain due to the absence of conclusive functional and genetic evidence.

NM_015355.4(SUZ12):c.1947GAA[1] (p.Lys650del)

Gene: SUZ12 (SUZ12 polycomb repressive complex 2 subunit; plus strand). Cytogenetic location: 17q11.2.
Variant type: Microsatellite.
Coding change: c.1947GAA[1] on transcript NM_015355.4 (MANE Select); one copy of the 3-base unit GAA starting at c.1947; the reference has two copies in a row; one copy, 3 bases deleted.
Protein change: p.Lys650del; deletes lysine 650.
Molecular consequence: inframe deletion.
Genome position (GRCh38, 1-based): chr17:31,998,733-31,998,735, GAA deleted; deleting any 3 consecutive bases within chr17:31,998,728-31,998,735 gives the same sequence; the position shown is the placement nearest the transcript's 3' end. VCF-style (leftmost placement, unchanged base first): chr17-31998727-TAAG-T. GRCh37 (hg19) VCF-style: chr17-30325746-TAAG-T.
Other names: c.1878GAA[1], p.Lys627del (NM_001321207.2); short protein forms K627del, K650del.
Identifiers: ClinVar variation 2635282 (VCV002635282.1), dbSNP rs2508693993, ClinGen allele CA2576225682.